The following is an entry in ClinVar:

ClinVar aggregate classification (germline): Benign (1 of 4 stars; one submission).

Submission:

GeneDx
Classification: Benign. Last evaluated: 2018-06-16. Review status: criteria provided, single submitter. Criteria: GeneDx Variant Classification (06012015). Collection method: clinical testing. Allele origin: germline. Affected: yes.
Comment: This variant is considered likely benign or benign based on one or more of the following criteria: it is a conservative change, it occurs at a poorly conserved position in the protein, it is predicted to be benign by multiple in silico algorithms, and/or has population frequency not consistent with disease.

NM_016156.6(MTMR2):c.187-235dup

Gene: MTMR2 (myotubularin related protein 2; minus strand). Cytogenetic location: 11q21.
Variant type: Duplication.
Coding change: c.187-235dup on transcript NM_016156.6 (MANE Select); 235 bases into the intron before coding-DNA position 187, one base duplicated (T; older notation c.187-235dupT).
Molecular consequence: intron variant.
Genome position (GRCh38, 1-based): chr11:95,865,911, A duplicated on the plus strand (T on the coding strand, the reverse complement: MTMR2 is on the minus strand); the first of 6 consecutive A bases (chr11:95,865,911-95,865,916); duplicating any one gives the same sequence. VCF-style (leftmost placement, unchanged base first): chr11-95865910-C-CA. GRCh37 (hg19) VCF-style: chr11-95599074-C-CA.
Other names: c.-30-235dup (NM_201281.3, NM_201278.3, NM_001243571.2); c.187-235_187-234insT (NM_016156.5).
Identifiers: ClinVar variation 674224 (VCV000674224.1), dbSNP rs61523739, ClinGen allele CA226615140.